The following is an entry in ClinVar:

NM_001164508.2(NEB):c.3094C>T (p.Pro1032Ser)

Gene: NEB (nebulin; minus strand). Cytogenetic location: 2q23.3.
Variant type: single nucleotide variant.
Coding change: c.3094C>T on transcript NM_001164508.2 (MANE Select); coding-DNA position 3094, C replaced by T.
Protein change: p.Pro1032Ser; replaces proline 1032 with serine.
Molecular consequence: missense variant.
Genome position (GRCh38, 1-based): chr2:151,679,971, G>A on the plus strand (C>T on the coding strand, the complement: NEB is on the minus strand). VCF-style: chr2-151679971-G-A. GRCh37 (hg19) VCF-style: chr2-152536485-G-A.
Other names: c.3094C>T (NM_001271208.1); c.3094C>T, p.Pro1032Ser (NM_001164507.2, NM_001271208.2, NM_004543.5); short protein forms P1032S.
Identifiers: ClinVar variation 331522 (VCV000331522.10), dbSNP rs544334101, ClinGen allele CA1911016.

ClinVar aggregate classification (germline): Conflicting classifications of pathogenicity. Review status: criteria provided, conflicting classifications (1 of 4 stars). 3 submissions from 3 submitters: Uncertain significance (2); Likely benign (1). Last evaluated 2025-05-24.

Conditions:
Nemaline myopathy 2 (NEM2). Also called: Nemaline myopathy 2, autosomal recessive. Identifiers: MedGen C1850569, MONDO:0009725, OMIM 256030.

Allele frequency attached by ClinVar (database versions not stated): TOPMed 0.00001; gnomAD exomes 0.00002; 1000 Genomes Project 0.00020; 1000 Genomes Project 30x 0.00031; gnomAD 0.00001; ExAC 0.00001.
gnomAD v4.1: 12 of 1,613,782 alleles (0.00074%); highest among the groups gnomAD compares: South Asian, 0.0011%; no homozygotes.

Submissions (3):

GeneDx
Classification: Uncertain significance. Last evaluated: 2025-05-24. Review status: criteria provided, single submitter. Criteria: GeneDx Variant Classification Process June 2021. Collection method: clinical testing. Allele origin: germline. Affected: yes.
Comment: Not observed at significant frequency in large population cohorts (gnomAD); In silico analysis suggests that this missense variant does not alter protein structure/function; Has not been previously published as pathogenic or benign to our knowledge

Labcorp Genetics (formerly Invitae), Labcorp
Classification: Likely benign for Nemaline myopathy 2. Last evaluated: 2023-08-28. Review status: criteria provided, single submitter. Criteria: Invitae Variant Classification Sherloc (09022015). Collection method: clinical testing. Allele origin: germline.

Illumina Laboratory Services, Illumina
Classification: Uncertain significance for Nemaline myopathy 2. Last evaluated: 2018-01-13. Review status: criteria provided, single submitter. Criteria: ICSL Variant Classification Criteria 13 December 2019. Collection method: clinical testing. Allele origin: germline.